The following is an entry in ClinVar:

ClinVar aggregate classification (germline): Conflicting classifications of pathogenicity. Review status: criteria provided, conflicting classifications (1 of 4 stars). 2 submissions from 2 submitters: Uncertain significance (1); Likely benign (1). Last evaluated 2026-01-28.

Conditions:
Xeroderma pigmentosum (XP). Identifiers: Orphanet 910, MedGen C0043346, MONDO:0019600.

Allele frequency attached by ClinVar (database versions not stated): gnomAD 0.00001 and 0.00006; TOPMed 0.00002; gnomAD exomes 0.00006 and 0.00014; ExAC 0.00015; 1000 Genomes Project 30x 0.00031; 1000 Genomes Project 0.00040.
gnomAD v4.1: 102 of 1,613,704 alleles (0.0063%); highest among the groups gnomAD compares: South Asian, 0.1%; 1 homozygote.

Submissions (2):

Labcorp Genetics (formerly Invitae), Labcorp
Classification: Likely benign. Last evaluated: 2026-01-28. Review status: criteria provided, single submitter. Criteria: Invitae Variant Classification Sherloc (09022015). Collection method: clinical testing. Allele origin: germline.

Sema4
Classification: Uncertain significance for Xeroderma pigmentosum. Last evaluated: 2022-01-06. Review status: criteria provided, single submitter. Criteria: Sema4 Curation Guidelines. Collection method: curation. Allele origin: germline.
Comment: To the best of our knowledge, the XPC c.338A>G (p.K113R) variant has not been reported in individuals with XPC-related disease. It was observed in 36/280390 chromosomes of the South Asian subpopulation, with no homozygotes across the large and broad cohorts of the Genome Aggregation Database (PMID: 32461654). The variant has been reported in ClinVar (Variation ID: 1119744). In silico tools suggest the impact of the variant on protein function is benign, though these predictions have not been confirmed by functional studies. The evidence is insufficient to meet ACMG/AMP criteria for classifying the variant as benign or pathogenic. Thus, the clinical significance of this variant is currently uncertain.

NM_004628.5(XPC):c.338A>G (p.Lys113Arg)

Gene: XPC (XPC complex subunit, DNA damage recognition and repair factor; minus strand). Cytogenetic location: 3p25.1.
Variant type: single nucleotide variant.
Coding change: c.338A>G on transcript NM_004628.5 (MANE Select); coding-DNA position 338, A replaced by G.
Protein change: p.Lys113Arg; replaces lysine 113 with arginine.
Molecular consequence: missense variant. On other transcripts: 5 prime UTR variant (1), non-coding transcript variant (2).
Genome position (GRCh38, 1-based): chr3:14,170,512, T>C on the plus strand (A>G on the coding strand, the complement: XPC is on the minus strand). VCF-style: chr3-14170512-T-C. GRCh37 (hg19) VCF-style: chr3-14212012-T-C.
Other names: c.-118A>G (NM_001354726.2); c.338A>G, p.Lys113Arg (NM_001354727.2, NM_001354730.2); c.320A>G, p.Lys107Arg (NM_001354729.2); short protein forms K107R, K113R.
Identifiers: ClinVar variation 1119744 (VCV001119744.10), dbSNP rs560354293, ClinGen allele CA2267740.